The following is an entry in ClinVar:

NM_000051.4(ATM):c.6075G>T (p.Lys2025Asn)

Genes: ATM (ATM serine/threonine kinase; plus strand), C11orf65 (chromosome 11 open reading frame 65; minus strand). Cytogenetic location: 11q22.3.
Variant type: single nucleotide variant.
Coding change: c.6075G>T on transcript NM_000051.4 (MANE Select); coding-DNA position 6075, G replaced by T.
Protein change: p.Lys2025Asn; replaces lysine 2025 with asparagine.
Molecular consequence: missense variant. On other transcripts: intron variant (2).
Genome position (GRCh38, 1-based): chr11:108,315,891, G>T. VCF-style: chr11-108315891-G-T. GRCh37 (hg19) VCF-style: chr11-108186618-G-T.
Other names: c.6075G>T, p.Lys2025Asn (NM_001351834.2); c.641-6820C>A (NM_001330368.2); c.*39-6820C>A (NM_001351110.2); short protein forms K2025N.
Identifiers: ClinVar variation 826169 (VCV000826169.14), dbSNP rs1591777158, ClinGen allele CA382550116.

ClinVar aggregate classification (germline): Uncertain significance. Review status: criteria provided, multiple submitters, no conflicts (2 of 4 stars). 2 submissions from 2 submitters: Uncertain significance (2). Last evaluated 2019-10-29.

Conditions:
Hereditary cancer-predisposing syndrome. Also called: Tumor predisposition; Neoplastic Syndromes, Hereditary; Hereditary Cancer Syndrome; Hereditary neoplastic syndrome. Identifiers: Orphanet 140162, MedGen C0027672, MeSH D009386, MONDO:0015356.
Ataxia-telangiectasia syndrome (AT). Also called: ATAXIA-TELANGIECTASIA, COMPLEMENTATION GROUP A; ATAXIA-TELANGIECTASIA, FRESNO VARIANT; Ataxia-telangiectasia; Ataxia-telangiectasia, complementation group D; AT, COMPLEMENTATION GROUP C; Ataxia-telangiectasia, complementation group E. Identifiers: Orphanet 100, MedGen C0004135, MONDO:0008840, OMIM 208900.

Submissions (2):

Labcorp Genetics (formerly Invitae), Labcorp
Classification: Uncertain significance for Ataxia-telangiectasia syndrome. Last evaluated: 2019-10-29. Review status: criteria provided, single submitter. Criteria: Invitae Variant Classification Sherloc (09022015). Collection method: clinical testing. Allele origin: germline.
Comment: This sequence change replaces lysine with asparagine at codon 2025 of the ATM protein (p.Lys2025Asn). The lysine residue is moderately conserved and there is a moderate physicochemical difference between lysine and asparagine. This variant is not present in population databases (ExAC no frequency). This variant has not been reported in the literature in individuals with ATM-related conditions. Algorithms developed to predict the effect of missense changes on protein structure and function are either unavailable or do not agree on the potential impact of this missense change (SIFT: "Deleterious"; PolyPhen-2: "Benign"; Align-GVGD: "Class C35"). In summary, the available evidence is currently insufficient to determine the role of this variant in disease. Therefore, it has been classified as a Variant of Uncertain Significance.

Ambry Genetics
Classification: Uncertain significance for Hereditary cancer-predisposing syndrome. Last evaluated: 2019-02-27. Review status: criteria provided, single submitter. Criteria: Ambry Variant Classification Scheme 2023. Collection method: clinical testing. Allele origin: germline.
Comment: The p.K2025N variant (also known as c.6075G>T), located in coding exon 40 of the ATM gene, results from a G to T substitution at nucleotide position 6075. The lysine at codon 2025 is replaced by asparagine, an amino acid with similar properties. This amino acid position is not well conserved in available vertebrate species. In addition, this alteration is predicted to be tolerated by in silico analysis. Since supporting evidence is limited at this time, the clinical significance of this alteration remains unclear.